The following is an entry in ClinVar:

ClinVar aggregate classification (germline): Pathogenic (1 of 4 stars; one submission).

Conditions:
Generalized epilepsy with febrile seizures plus, type 9 (GEFSP9). Also called: GEFS+, TYPE 9. Identifiers: Orphanet 36387, MedGen C4015395, MONDO:0014517, OMIM 616172.

Submission:

Labcorp Genetics (formerly Invitae), Labcorp
Classification: Pathogenic for Generalized epilepsy with febrile seizures plus, type 9. Last evaluated: 2018-10-08. Review status: criteria provided, single submitter. Criteria: Invitae Variant Classification Sherloc (09022015). Collection method: clinical testing. Allele origin: germline.
Comment: For these reasons, this variant has been classified as Pathogenic. Loss-of-function variants in STX1B are known to be pathogenic (PMID: 25362483). This variant has not been reported in the literature in individuals with STX1B-related disease. This variant is an out-of-frame deletion of the genomic region encompassing exons 2-4 of the STX1B gene. This is expected to create a premature translational stop signal and result in an absent or disrupted protein product.

Literature cited by the submitters: PubMed 25362483.

NC_000016.10:g.(?_31000908)_(31001623_?)del

Gene: STX1B (syntaxin 1B; minus strand). Cytogenetic location: 16p11.2.
Variant type: Deletion.
Identifiers: ClinVar variation 661190 (VCV000661190.5).